The following is an entry in ClinVar:

NM_001376.5(DYNC1H1):c.3730del (p.Val1244fs)

Gene: DYNC1H1 (dynein cytoplasmic 1 heavy chain 1; plus strand). Cytogenetic location: 14q32.31.
Variant type: Deletion.
Coding change: c.3730del on transcript NM_001376.5 (MANE Select); coding-DNA position 3730, one base deleted (G; older notation c.3730delG).
Protein change: p.Val1244fs; shifts the reading frame from valine 1244.
Molecular consequence: frameshift variant.
Genome position (GRCh38, 1-based): chr14:101,997,200, G deleted. VCF-style (leftmost placement, unchanged base first): chr14-101997199-TG-T. GRCh37 (hg19) VCF-style: chr14-102463536-TG-T.
Other names: short protein forms V1244fs.
Identifiers: ClinVar variation 2755437 (VCV002755437.3), dbSNP rs2503720405, ClinGen allele CA2697554196.

ClinVar aggregate classification (germline): Uncertain significance (1 of 4 stars; one submission).

Conditions:
Charcot-Marie-Tooth disease axonal type 2O. Also called: Charcot-Marie-Tooth disease, axonal, type 20; CHARCOT-MARIE-TOOTH NEUROPATHY, AXONAL, TYPE 2O; CHARCOT-MARIE-TOOTH DISEASE, AXONAL, AUTOSOMAL DOMINANT, TYPE 2O; Charcot-Marie-Tooth Neuropathy Type 2O. Identifiers: Orphanet 284232, MedGen C3280220, MONDO:0013644, OMIM 614228.

Submission:

Labcorp Genetics (formerly Invitae), Labcorp
Classification: Uncertain significance for Charcot-Marie-Tooth disease axonal type 2O. Last evaluated: 2023-08-27. Review status: criteria provided, single submitter. Criteria: Invitae Variant Classification Sherloc (09022015). Collection method: clinical testing. Allele origin: germline.
Comment: This sequence change creates a premature translational stop signal (p.Val1244Serfs*15) in the DYNC1H1 gene. It is expected to result in an absent or disrupted protein product. However, the current clinical and genetic evidence is not sufficient to establish whether loss-of-function variants in DYNC1H1 cause disease. This variant is not present in population databases (gnomAD no frequency). This variant has not been reported in the literature in individuals affected with DYNC1H1-related conditions. In summary, the available evidence is currently insufficient to determine the role of this variant in disease. Therefore, it has been classified as a Variant of Uncertain Significance.